The following is an entry in ClinVar:

ClinVar aggregate classification (germline): Uncertain significance. Review status: criteria provided, multiple submitters, no conflicts (2 of 4 stars). 4 submissions from 4 submitters: Uncertain significance (4). Last evaluated 2024-11-23.

Conditions:
Cardiovascular phenotype. Identifiers: MedGen CN230736.
Hypertrophic cardiomyopathy 14. Identifiers: MedGen C2750467, MONDO:0013197, OMIM 613251.

gnomAD v4.1: 11 of 1,614,194 alleles (0.00068%); highest among the groups gnomAD compares: Middle Eastern, 0.05%; no homozygotes.

Submissions (4):

Blueprint Genetics
Classification: Uncertain significance. Last evaluated: 2024-11-23. Review status: criteria provided, single submitter. Criteria: ACMG Guidelines, 2015. Collection method: clinical testing. Allele origin: germline.

GeneDx
Classification: Uncertain significance. Last evaluated: 2023-08-22. Review status: criteria provided, single submitter. Criteria: GeneDx Variant Classification Process June 2021. Collection method: clinical testing. Allele origin: germline. Affected: yes.
Comment: Not observed at a significant frequency in large population cohorts (gnomAD); In silico analysis supports that this missense variant does not alter protein structure/function; Identified in a patient with hypertrophic cardiomyopathy (HCM) in published literature who harbored additional cardiogenetic variants (Forleo et al., 2017); This variant is associated with the following publications: (PMID: 28750076)

Ambry Genetics
Classification: Uncertain significance for Cardiovascular phenotype. Last evaluated: 2023-03-19. Review status: criteria provided, single submitter. Criteria: Ambry Variant Classification Scheme 2023. Collection method: clinical testing. Allele origin: germline.
Comment: The p.E1754Q variant (also known as c.5260G>C), located in coding exon 33 of the MYH6 gene, results from a G to C substitution at nucleotide position 5260. The glutamic acid at codon 1754 is replaced by glutamine, an amino acid with highly similar properties. This alteration has been reported in a subject with hypertrophic cardiomyopathy (HCM) who also had variants in other cardiac-related genes (Forleo C et al. PLoS One, 2017 Jul;12:e0181842). This amino acid position is highly conserved in available vertebrate species. In addition, the in silico prediction for this alteration is inconclusive. Since supporting evidence is limited at this time, the clinical significance of this alteration remains unclear.

Labcorp Genetics (formerly Invitae), Labcorp
Classification: Uncertain significance for Hypertrophic cardiomyopathy 14. Last evaluated: 2021-04-20. Review status: criteria provided, single submitter. Criteria: Invitae Variant Classification Sherloc (09022015). Collection method: clinical testing. Allele origin: germline.
Comment: In summary, the available evidence is currently insufficient to determine the role of this variant in disease. Therefore, it has been classified as a Variant of Uncertain Significance. Algorithms developed to predict the effect of missense changes on protein structure and function (SIFT, PolyPhen-2, Align-GVGD) all suggest that this variant is likely to be tolerated, but these predictions have not been confirmed by published functional studies and their clinical significance is uncertain. This variant has not been reported in the literature in individuals with MYH6-related conditions. This variant is present in population databases (rs372270600, ExAC 0.001%). This sequence change replaces glutamic acid with glutamine at codon 1754 of the MYH6 protein (p.Glu1754Gln). The glutamic acid residue is weakly conserved and there is a small physicochemical difference between glutamic acid and glutamine.

Literature cited by the submitters: PubMed 28750076 (cited by Ambry Genetics).

NM_002471.4(MYH6):c.5260G>C (p.Glu1754Gln)

Gene: MYH6 (myosin heavy chain 6; minus strand). Cytogenetic location: 14q11.2.
Variant type: single nucleotide variant.
Coding change: c.5260G>C on transcript NM_002471.4 (MANE Select); coding-DNA position 5260, G replaced by C.
Protein change: p.Glu1754Gln; replaces glutamic acid 1754 with glutamine.
Molecular consequence: missense variant.
Genome position (GRCh38, 1-based): chr14:23,384,945, C>G on the plus strand (G>C on the coding strand, the complement: MYH6 is on the minus strand). VCF-style: chr14-23384945-C-G. GRCh37 (hg19) VCF-style: chr14-23854154-C-G.
Other names: short protein forms E1754Q.
Identifiers: ClinVar variation 1428499 (VCV001428499.12), dbSNP rs372270600, ClinGen allele CA7114499.
Genomic context (GRCh38, chr14:23,384,945, plus strand): 5'-TAGGGGAGGCGGAAGGTGGGCGGTCACTTACATCCGTGATGGCCTTCTTGGCCTTCTCCT[C>G]GGCGTTTCTGCACTCCTGCACTGCCTCCTCCACTTCCGACTGGAGCTGGGTCAGATCCGA-3'
Protein context (NP_002462.2, residues 1744-1764): EEAVQECRNA[Glu1754Gln]EKAKKAITDA